The following is an entry in ClinVar:

ClinVar aggregate classification (germline): Conflicting classifications of pathogenicity. Review status: criteria provided, conflicting classifications (1 of 4 stars). 2 submissions from 2 submitters: Uncertain significance (1); Likely benign (1). Last evaluated 2022-07-01.

Conditions:
Cardiovascular phenotype. Identifiers: MedGen CN230736.
Hypercholesterolemia, familial, 4 (FHCL4). Also called: HYPERCHOLESTEROLEMIA, AUTOSOMAL RECESSIVE, 1; HYPERCHOLESTEROLEMIA, AUTOSOMAL RECESSIVE, 2. Identifiers: Orphanet 391665, MedGen C1863512, MONDO:0011374, OMIM 603813.

Allele frequency attached by ClinVar (database versions not stated): gnomAD exomes 0.00001; ExAC 0.00002; 1000 Genomes Project 30x 0.00016; gnomAD 0.00018; TOPMed 0.00020; ESP Exome Variant Server 0.00031.
gnomAD v4.1: 45 of 1,613,990 alleles (0.0028%); highest among the groups gnomAD compares: African/African-American, 0.056%; no homozygotes.

Submissions (2):

Ambry Genetics
Classification: Likely benign for Cardiovascular phenotype. Last evaluated: 2022-07-01. Review status: criteria provided, single submitter. Criteria: Ambry Variant Classification Scheme 2023. Collection method: clinical testing. Allele origin: germline.

Labcorp Genetics (formerly Invitae), Labcorp
Classification: Uncertain significance for Hypercholesterolemia, familial, 4. Last evaluated: 2022-03-29. Review status: criteria provided, single submitter. Criteria: Invitae Variant Classification Sherloc (09022015). Collection method: clinical testing. Allele origin: germline.
Comment: This sequence change replaces valine, which is neutral and non-polar, with isoleucine, which is neutral and non-polar, at codon 226 of the LDLRAP1 protein (p.Val226Ile). This variant is present in population databases (rs143563728, gnomAD 0.05%). This variant has not been reported in the literature in individuals affected with LDLRAP1-related conditions. Algorithms developed to predict the effect of missense changes on protein structure and function (SIFT, PolyPhen-2, Align-GVGD) all suggest that this variant is likely to be tolerated. In summary, the available evidence is currently insufficient to determine the role of this variant in disease. Therefore, it has been classified as a Variant of Uncertain Significance.

NM_015627.3(LDLRAP1):c.676G>A (p.Val226Ile)

Gene: LDLRAP1 (low density lipoprotein receptor adaptor protein 1; plus strand). Cytogenetic location: 1p36.11.
Variant type: single nucleotide variant.
Coding change: c.676G>A on transcript NM_015627.3 (MANE Select); coding-DNA position 676, G replaced by A.
Protein change: p.Val226Ile; replaces valine 226 with isoleucine.
Molecular consequence: missense variant.
Genome position (GRCh38, 1-based): chr1:25,563,720, G>A. VCF-style: chr1-25563720-G-A. GRCh37 (hg19) VCF-style: chr1-25890211-G-A.
Other names: short protein forms V226I.
Identifiers: ClinVar variation 1755339 (VCV001755339.4), dbSNP rs143563728, ClinGen allele CA695691.